The following is an entry in ClinVar:

ClinVar aggregate classification (germline): Uncertain significance (1 of 4 stars; one submission).

Conditions:
Brugada syndrome 6 (BRGDA6). Identifiers: Orphanet 130, MedGen C2751089, MONDO:0013145, OMIM 613119.

Submission:

Labcorp Genetics (formerly Invitae), Labcorp
Classification: Uncertain significance for Brugada syndrome 6. Last evaluated: 2020-07-13. Review status: criteria provided, single submitter. Criteria: Invitae Variant Classification Sherloc (09022015). Collection method: clinical testing. Allele origin: germline.
Comment: In summary, the available evidence is currently insufficient to determine the role of this variant in disease. Therefore, it has been classified as a Variant of Uncertain Significance. Algorithms developed to predict the effect of missense changes on protein structure and function (SIFT, PolyPhen-2, Align-GVGD) all suggest that this variant is likely to be tolerated, but these predictions have not been confirmed by published functional studies and their clinical significance is uncertain. This variant has not been reported in the literature in individuals with KCNE3-related conditions. This variant is not present in population databases (ExAC no frequency). This sequence change replaces glutamic acid with glycine at codon 12 of the KCNE3 protein (p.Glu12Gly). The glutamic acid residue is moderately conserved and there is a moderate physicochemical difference between glutamic acid and glycine.

NM_005472.5(KCNE3):c.35A>G (p.Glu12Gly)

Gene: KCNE3 (potassium voltage-gated channel subfamily E regulatory subunit 3; minus strand). Cytogenetic location: 11q13.4.
Variant type: single nucleotide variant.
Coding change: c.35A>G on transcript NM_005472.5 (MANE Select); coding-DNA position 35, A replaced by G.
Protein change: p.Glu12Gly; replaces glutamic acid 12 with glycine.
Molecular consequence: missense variant.
Genome position (GRCh38, 1-based): chr11:74,457,529, T>C on the plus strand (A>G on the coding strand, the complement: KCNE3 is on the minus strand). VCF-style: chr11-74457529-T-C. GRCh37 (hg19) VCF-style: chr11-74168574-T-C.
Other names: short protein forms E12G.
Identifiers: ClinVar variation 1053155 (VCV001053155.9), dbSNP rs2135004460, ClinGen allele CA381974195.